The following is an entry in ClinVar:

ClinVar aggregate classification (germline): Likely benign. Review status: criteria provided, single submitter (1 of 4 stars). 2 submissions from 2 submitters: Likely benign (1). 1 of the submissions does not count toward it. Last evaluated 2024-10-07.

Conditions:
Inborn genetic diseases. Identifiers: MedGen C0950123, MeSH D030342.
CHMP1A-related disorder. Also called: CHMP1A-related condition.

Allele frequency attached by ClinVar (database versions not stated): 1000 Genomes Project 30x 0.00219; 1000 Genomes Project 0.00220; ESP Exome Variant Server 0.00162.
gnomAD v4.1: 522 of 1,611,554 alleles (0.032%); highest among the groups gnomAD compares: African/African-American, 0.6%; 1 homozygote.

Submissions (2):

Ambry Genetics
Classification: Likely benign for Inborn genetic diseases. Last evaluated: 2024-10-07. Review status: criteria provided, single submitter. Criteria: Ambry Variant Classification Scheme 2023. Collection method: clinical testing. Allele origin: germline.

PreventionGenetics, part of Exact Sciences
Classification: Likely benign for CHMP1A-related condition. Last evaluated: 2019-05-20. Review status: no assertion criteria provided. Collection method: clinical testing. Allele origin: germline. Not counted in ClinVar's aggregate classification.
Comment: This variant is classified as likely benign based on ACMG/AMP sequence variant interpretation guidelines (Richards et al. 2015 PMID: 25741868, with internal and published modifications).

NM_002768.5(CHMP1A):c.*121G>C

Gene: CHMP1A (charged multivesicular body protein 1A; minus strand). Cytogenetic location: 16q24.3.
Variant type: single nucleotide variant.
Coding change: c.*121G>C on transcript NM_002768.5 (MANE Select); 121 bases downstream of the stop codon, G replaced by C.
Molecular consequence: 3 prime UTR variant. On other transcripts: missense variant (1), non-coding transcript variant (1).
Genome position (GRCh38, 1-based): chr16:89,645,945, C>G on the plus strand (G>C on the coding strand, the complement: CHMP1A is on the minus strand). VCF-style: chr16-89645945-C-G. GRCh37 (hg19) VCF-style: chr16-89712353-C-G.
Other names: c.692G>C, p.Arg231Pro (NM_001083314.4); c.692G>C (NM_001083314.1); short protein forms R231P.
Identifiers: ClinVar variation 3037431 (VCV003037431.3), dbSNP rs116776046, ClinGen allele CA8246855.